The following is an entry in ClinVar:

NM_198576.4(AGRN):c.3387C>T (p.Pro1129=)

Gene: AGRN (agrin; plus strand). Cytogenetic location: 1p36.33.
Variant type: single nucleotide variant.
Coding change: c.3387C>T on transcript NM_198576.4 (MANE Select); coding-DNA position 3387, C replaced by T.
Protein change: p.Pro1129=; no amino-acid change (proline 1129 retained).
Molecular consequence: synonymous variant.
Genome position (GRCh38, 1-based): chr1:1,046,956, C>T. VCF-style: chr1-1046956-C-T. GRCh37 (hg19) VCF-style: chr1-982336-C-T.
Other names: c.3387C>T, p.Pro1129= (NM_001305275.2); c.3072C>T, p.Pro1024= (NM_001364727.2).
Identifiers: ClinVar variation 474117 (VCV000474117.6), dbSNP rs758046832, ClinGen allele CA509032.

ClinVar aggregate classification (germline): Uncertain significance (1 of 4 stars; one submission).

Conditions:
Congenital myasthenic syndrome 8. Also called: MYASTHENIC SYNDROME, CONGENITAL, DUE TO AGRIN DEFICIENCY; Myasthenic syndrome, congenital, 8, with pre- and postsynaptic defects. Identifiers: Orphanet 590, MedGen C3808739, MONDO:0014052, OMIM 615120.

Allele frequency attached by ClinVar (database versions not stated): gnomAD exomes 0.00007; TOPMed 0.00008; ExAC 0.00010; gnomAD 0.00007.

Submission:

Labcorp Genetics (formerly Invitae), Labcorp
Classification: Uncertain significance for Congenital myasthenic syndrome 8. Last evaluated: 2023-12-16. Review status: criteria provided, single submitter. Criteria: Invitae Variant Classification Sherloc (09022015). Collection method: clinical testing. Allele origin: germline.
Comment: This sequence change affects codon 1129 of the AGRN mRNA. It is a 'silent' change, meaning that it does not change the encoded amino acid sequence of the AGRN protein. It affects a nucleotide within the consensus splice site. This variant is present in population databases (rs758046832, gnomAD 0.02%). This variant has not been reported in the literature in individuals affected with AGRN-related conditions. ClinVar contains an entry for this variant (Variation ID: 474117). Algorithms developed to predict the effect of sequence changes on RNA splicing suggest that this variant is not likely to affect RNA splicing. In summary, the available evidence is currently insufficient to determine the role of this variant in disease. Therefore, it has been classified as a Variant of Uncertain Significance.